The following is an entry in ClinVar:

ClinVar aggregate classification (germline): Conflicting classifications of pathogenicity. Review status: criteria provided, conflicting classifications (1 of 4 stars). 3 submissions from 3 submitters: Uncertain significance (1); Likely benign (1). 1 of the submissions does not count toward it. Last evaluated 2025-10-22.

Conditions:
Developmental and epileptic encephalopathy, 42 (DEE42A). Also called: Epileptic encephalopathy, early infantile, 42; DEVELOPMENTAL AND EPILEPTIC ENCEPHALOPATHY 42A; EPILEPTIC ENCEPHALOPATHY, EARLY INFANTILE, 42A. Identifiers: MedGen C4310716, MONDO:0014917, OMIM 617106.
Episodic ataxia type 2 (EA2). Also called: ACETAZOLAMIDE-RESPONSIVE HEREDITARY PAROXYSMAL CEREBELLAR ATAXIA; ATAXIA, FAMILIAL PAROXYSMAL; CEREBELLAR ATAXIA, PAROXYSMAL, ACETAZOLAMIDE-RESPONSIVE; CEREBELLOPATHY, HEREDITARY PAROXYSMAL; EPISODIC ATAXIA, NYSTAGMUS-ASSOCIATED; ATAXIA, EPISODIC, WITH NYSTAGMUS. Identifiers: Orphanet 97, MedGen C1720416, MONDO:0007163, OMIM 108500.
CACNA1A-related disorder. Also called: CACNA1A-related condition.

Allele frequency attached by ClinVar (database versions not stated): ExAC below 0.00001; gnomAD exomes 0.00001 and 0.00006; gnomAD 0.00002; TOPMed 0.00003.
gnomAD v4.1: 19 of 1,391,020 alleles (0.0014%); highest among the groups gnomAD compares: South Asian, 0.0052%; no homozygotes.

Submissions (3):

Labcorp Genetics (formerly Invitae), Labcorp
Classification: Likely benign for Developmental and epileptic encephalopathy, 42; Episodic ataxia type 2. Last evaluated: 2025-10-22. Review status: criteria provided, single submitter. Criteria: Invitae Variant Classification Sherloc (09022015). Collection method: clinical testing. Allele origin: germline.

Revvity Omics, Revvity
Classification: Uncertain significance. Last evaluated: 2025-05-28. Review status: criteria provided, single submitter. Criteria: ACMG Guidelines, 2015. Collection method: clinical testing. Allele origin: germline.

PreventionGenetics, part of Exact Sciences
Classification: Uncertain significance for CACNA1A-related condition. Last evaluated: 2024-01-08. Review status: no assertion criteria provided. Collection method: clinical testing. Allele origin: germline. Not counted in ClinVar's aggregate classification.
Comment: The CACNA1A c.6472C>T variant is predicted to result in the amino acid substitution p.Arg2158Cys. To our knowledge, this variant has not been reported in the literature. This variant is reported in 0.021% of alleles in individuals of South Asian descent in gnomAD. At this time, the clinical significance of this variant is uncertain due to the absence of conclusive functional and genetic evidence.

NM_001127222.2(CACNA1A):c.6472C>T (p.Arg2158Cys)

Gene: CACNA1A (calcium voltage-gated channel subunit alpha1 A; minus strand). Cytogenetic location: 19p13.13.
Variant type: single nucleotide variant.
Coding change: c.6472C>T on transcript NM_001127222.2 (MANE Select); coding-DNA position 6472, C replaced by T.
Protein change: p.Arg2158Cys; replaces arginine 2158 with cysteine.
Molecular consequence: missense variant.
Genome position (GRCh38, 1-based): chr19:13,209,366, G>A on the plus strand (C>T on the coding strand, the complement: CACNA1A is on the minus strand). VCF-style: chr19-13209366-G-A. GRCh37 (hg19) VCF-style: chr19-13320180-G-A.
Other names: c.6490C>T, p.Arg2164Cys (NM_000068.4, NM_023035.3); c.6475C>T, p.Arg2159Cys (NM_001127221.2); c.6481C>T, p.Arg2161Cys (NM_001174080.2); c.6472C>T (NM_001127222.1); short protein forms R2159C, R2164C, R2158C, R2161C.
Identifiers: ClinVar variation 665084 (VCV000665084.12), dbSNP rs774289573, ClinGen allele CA9239353.